The following is an entry in ClinVar:

NM_001204.7(BMPR2):c.1535A>C (p.Lys512Thr)

Gene: BMPR2 (bone morphogenetic protein receptor type 2; plus strand). Cytogenetic location: 2q33.2.
Variant type: single nucleotide variant.
Coding change: c.1535A>C on transcript NM_001204.7 (MANE Select); coding-DNA position 1535, A replaced by C.
Protein change: p.Lys512Thr; replaces lysine 512 with threonine.
Molecular consequence: missense variant.
Genome position (GRCh38, 1-based): chr2:202,552,837, A>C. VCF-style: chr2-202552837-A-C. GRCh37 (hg19) VCF-style: chr2-203417560-A-C.
Other names: c.1535A>C (LRG_712t1); short protein forms K512T.
Identifiers: ClinVar variation 425958 (VCV000425958.2), dbSNP rs1085307364, ClinGen allele CA350344862.

ClinVar aggregate classification (germline): Uncertain significance. Review status: criteria provided, single submitter (1 of 4 stars). 2 submissions from 2 submitters: Uncertain significance (1). 1 of the submissions does not count toward it. Last evaluated 2024-01-22.

Conditions:
Pulmonary hypertension, primary, 1 (PPH1). Also called: Pulmonary hypertension, familial primary, 1, with or without HHT. Identifiers: Orphanet 422, MedGen C4552070, MONDO:0024533, OMIM 178600.

Allele frequency attached by ClinVar (database versions not stated): gnomAD exomes 0.00001.
gnomAD v4.1: 3 of 1,614,204 alleles (0.00019%); highest among the groups gnomAD compares: Non-Finnish European, 0.00025%; no homozygotes.

Submissions (2):

GeneDx
Classification: Uncertain significance. Last evaluated: 2024-01-22. Review status: criteria provided, single submitter. Criteria: GeneDx Variant Classification Process June 2021. Collection method: clinical testing. Allele origin: germline. Affected: yes.
Comment: Identified in individuals with pulmonary hypertension (PMID: 11115378, 31382961); Not observed at significant frequency in large population cohorts (gnomAD); In silico analysis supports that this missense variant does not alter protein structure/function; In vitro functional studies of this variant in HeLa and/or HEK-293T cells showed subcellular trafficking similar to wild-type protein (PMID: 25688877, 12045205); This variant is associated with the following publications: (PMID: 11115378, 15699281, 30084161, 28306340, 12045205, 16429395, 26986070, 25688877, 31382961, 26659599)

Rare Disease Genomics Group, St George's University of London
Classification: Pathogenic for Primary pulmonary hypertension. Review status: no assertion criteria provided. Collection method: literature only. Allele origin: germline. Affected: yes. Not counted in ClinVar's aggregate classification.

Literature cited by the submitters: PubMed 11115378 (cited by Rare Disease Genomics Group, St George's University of London).